The following is an entry in ClinVar:

NM_000088.4(COL1A1):c.1138G>A (p.Gly380Ser)

Gene: COL1A1 (collagen type I alpha 1 chain; minus strand). Cytogenetic location: 17q21.33.
Variant type: single nucleotide variant.
Coding change: c.1138G>A on transcript NM_000088.4 (MANE Select); coding-DNA position 1138, G replaced by A.
Protein change: p.Gly380Ser; replaces glycine 380 with serine.
Molecular consequence: missense variant.
Genome position (GRCh38, 1-based): chr17:50,195,584, C>T on the plus strand (G>A on the coding strand, the complement: COL1A1 is on the minus strand). VCF-style: chr17-50195584-C-T. GRCh37 (hg19) VCF-style: chr17-48272945-C-T.
Other names: short protein forms G380S.
Identifiers: ClinVar variation 639690 (VCV000639690.10), dbSNP rs72648313, ClinGen allele CA400219616.
Genomic context (GRCh38, chr17:50,195,584, plus strand): 5'-GGTTAGAAAGTGGCAAAGGGGACACTGAGTCGGGGACACTTACAGCAGGGCCAGCAGCAC[C>T]AGCAGGGCCAGGGGGGCCAGGCTCACCACGCACACCCTGGGGACCTTCAGAGCCTCGGGG-3'
Protein context (NP_000079.2, residues 370-390): RGEPGPPGPA[Gly380Ser]AAGPAGNPGA

ClinVar aggregate classification (germline): Pathogenic. Review status: criteria provided, multiple submitters, no conflicts (2 of 4 stars). 2 submissions from 2 submitters: Pathogenic (2). Last evaluated 2022-09-02.

Conditions:
Osteogenesis imperfecta with normal sclerae, dominant form (OI4). Also called: Common Variable Osteogenesis Imperfecta with Normal Sclerae; OSTEOGENESIS IMPERFECTA, TYPE IV, WITH DENTINOGENESIS IMPERFECTA; Osteogenesis imperfecta type 4; OSTEOGENESIS IMPERFECTA WITH NORMAL SCLERAE; Osteogenesis Imperfecta Type IV. Identifiers: Orphanet 216820, Orphanet 666, MedGen C0268363, MONDO:0008148, OMIM 166220.
Osteogenesis imperfecta type I (OI1). Also called: Classic Non-deforming Osteogenesis Imperfecta with Blue Sclerae; Lobstein's Disease; Osteogenesis imperfecta type 1; OI, TYPE I; OSTEOGENESIS IMPERFECTA TARDA; OSTEOGENESIS IMPERFECTA WITH BLUE SCLERAE. Identifiers: Orphanet 216796, Orphanet 666, MedGen C0023931, MONDO:0008146, OMIM 166200. Disease mechanism: loss of function.

Allele frequency attached by ClinVar (database versions not stated): gnomAD exomes below 0.00001.
gnomAD v4.1: 1 of 1,614,088 alleles (0.000062%); highest among the groups gnomAD compares: South Asian, 0.0011%; no homozygotes.

Submissions (2):

Victorian Clinical Genetics Services, Murdoch Childrens Research Institute
Classification: Pathogenic for Osteogenesis imperfecta with normal sclerae, dominant form. Last evaluated: 2022-09-02. Review status: criteria provided, single submitter. Criteria: ACMG Guidelines, 2015. Collection method: clinical testing. Allele origin: germline. Inheritance: Autosomal dominant inheritance. Affected: yes.
Comment: Based on the classification scheme VCGS_Germline_v1.3.4, this variant is classified as Pathogenic. Following criteria are met: 0103 - Dominant negative and loss of function are known mechanisms of disease in this gene and are associated with osteogenesis imperfecta (OI) types I-IV, and other conditions (OMIM). Variants resulting in a truncated protein are known to have a loss of function effect on protein, while missense variants affecting the Gly-X-Y of a triple helix motif have a dominant negative effect (PMIDs: 27509835, 12362985). (I) 0107 - This gene is associated with autosomal dominant disease. (I) 0115 - Variants in this gene are known to have variable expressivity (GeneReviews). (I) 0200 - Variant is predicted to result in a missense amino acid change from glycine to serine. (I) 0251 - This variant is heterozygous. (I) 0301 - Variant is absent from gnomAD (both v2 and v3). (SP) 0502 - Missense variant with conflicting in silico predictions and uninformative conservation. (I) 0601 - Variant is located in the well-established functional Gly-X-Y motif within the repeat domain, and affects a glycine residue (DECIPHER). (SP) 0703 - Other missense variants comparable to the one identified in this case have moderate previous evidence for pathogenicity. p.(Gly380Ala) has been classified as pathogenic by a clinical laboratory in ClinVar, and p.(Gly380Cys) has been observed in two individuals with OI (PMIDs: 29499418, 31680973, 31429852). (SP) 0802 - This variant has moderate previous evidence of pathogenicity in unrelated individuals. This variant has been classified as pathogenic by a clinical laboratory in ClinVar, and observed in two individuals in the literature with type III and type IV OI (PMIDs: 24668929, 30715774). (SP) 1007 - No published functional evidence has been identified for this variant. (I) 1208 - Inheritance information for this variant is not currently available in this individual. (I) Legend: (SP) - Supporting pathogenic, (I) - Information, (SB) - Supporting benign

Labcorp Genetics (formerly Invitae), Labcorp
Classification: Pathogenic for Osteogenesis imperfecta type I. Last evaluated: 2022-02-08. Review status: criteria provided, single submitter. Criteria: Invitae Variant Classification Sherloc (09022015). Collection method: clinical testing. Allele origin: germline.
Comment: For these reasons, this variant has been classified as Pathogenic. This variant disrupts the p.Gly380 amino acid residue in COL1A1. Other variant(s) that disrupt this residue have been observed in individuals with COL1A1-related conditions (PMID: 17078022, 29499418), which suggests that this may be a clinically significant amino acid residue. This variant disrupts the triple helix domain of COL1A1. Glycine residues within the Gly-Xaa-Yaa repeats of the triple helix domain are required for the structure and stability of fibrillar collagens (PMID: 7695699, 8218237, 19344236). In COL1A1, variants affecting these glycine residues are significantly enriched in individuals with disease (PMID: 9016532, 17078022) compared to the general population (ExAC). Algorithms developed to predict the effect of sequence changes on RNA splicing suggest that this variant may create or strengthen a splice site. Advanced modeling of protein sequence and biophysical properties (such as structural, functional, and spatial information, amino acid conservation, physicochemical variation, residue mobility, and thermodynamic stability) performed at Invitae indicates that this missense variant is expected to disrupt COL1A1 protein function. ClinVar contains an entry for this variant (Variation ID: 639690). This missense change has been observed in individual(s) with osteogenesis imperfecta (PMID: 24668929, 30715774, 31414283). This variant is not present in population databases (gnomAD no frequency). This sequence change replaces glycine, which is neutral and non-polar, with serine, which is neutral and polar, at codon 380 of the COL1A1 protein (p.Gly380Ser).

Literature cited by the submitters: PubMed 12362985 (cited by Victorian Clinical Genetics Services, Murdoch Childrens Research Institute); PubMed 24668929 (cited by Victorian Clinical Genetics Services, Murdoch Childrens Research Institute and Labcorp Genetics (formerly Invitae), Labcorp); PubMed 27509835 (cited by Victorian Clinical Genetics Services, Murdoch Childrens Research Institute); PubMed 29499418 (cited by Victorian Clinical Genetics Services, Murdoch Childrens Research Institute and Labcorp Genetics (formerly Invitae), Labcorp); PubMed 30715774 (cited by Victorian Clinical Genetics Services, Murdoch Childrens Research Institute and Labcorp Genetics (formerly Invitae), Labcorp); PubMed 31429852 (cited by Victorian Clinical Genetics Services, Murdoch Childrens Research Institute); PubMed 31680973 (cited by Victorian Clinical Genetics Services, Murdoch Childrens Research Institute); PubMed 17078022 (cited by Labcorp Genetics (formerly Invitae), Labcorp); PubMed 7695699 (cited by Labcorp Genetics (formerly Invitae), Labcorp); PubMed 8218237 (cited by Labcorp Genetics (formerly Invitae), Labcorp); PubMed 19344236 (cited by Labcorp Genetics (formerly Invitae), Labcorp); PubMed 9016532 (cited by Labcorp Genetics (formerly Invitae), Labcorp); PubMed 31414283 (cited by Labcorp Genetics (formerly Invitae), Labcorp).